The following is an entry in ClinVar:

NM_000051.4(ATM):c.8071C>A (p.Arg2691Ser)

Genes: C11orf65 (chromosome 11 open reading frame 65; minus strand), ATM (ATM serine/threonine kinase; plus strand). Cytogenetic location: 11q22.3.
Variant type: single nucleotide variant.
Coding change: c.8071C>A on transcript NM_000051.4 (MANE Select); coding-DNA position 8071, C replaced by A.
Protein change: p.Arg2691Ser; replaces arginine 2691 with serine.
Molecular consequence: missense variant. On other transcripts: intron variant (2).
Genome position (GRCh38, 1-based): chr11:108,335,029, C>A. VCF-style: chr11-108335029-C-A. GRCh37 (hg19) VCF-style: chr11-108205756-C-A.
Other names: c.8071C>A, p.Arg2691Ser (NM_001351834.2); c.641-25958G>T (NM_001330368.2); c.*38+191G>T (NM_001351110.2); short protein forms R2691S.
Identifiers: ClinVar variation 949285 (VCV000949285.10), dbSNP rs531980488, ClinGen allele CA382562000.

ClinVar aggregate classification (germline): Uncertain significance (1 of 4 stars; one submission).

Conditions:
Ataxia-telangiectasia syndrome (AT). Also called: Ataxia-telangiectasia, complementation group D; AT, COMPLEMENTATION GROUP C; ATAXIA-TELANGIECTASIA, COMPLEMENTATION GROUP A; ATAXIA-TELANGIECTASIA, FRESNO VARIANT; Ataxia-telangiectasia; Ataxia telangiectasia (A-T). Identifiers: Orphanet 100, MedGen C0004135, MONDO:0008840, OMIM 208900.

Submission:

Labcorp Genetics (formerly Invitae), Labcorp
Classification: Uncertain significance for Ataxia-telangiectasia syndrome. Last evaluated: 2019-04-26. Review status: criteria provided, single submitter. Criteria: Invitae Variant Classification Sherloc (09022015). Collection method: clinical testing. Allele origin: germline.
Comment: This variant is not present in population databases (ExAC no frequency). In summary, the available evidence is currently insufficient to determine the role of this variant in disease. Therefore, it has been classified as a Variant of Uncertain Significance. Algorithms developed to predict the effect of missense changes on protein structure and function (SIFT, PolyPhen-2, Align-GVGD) all suggest that this variant is likely to be tolerated, but these predictions have not been confirmed by published functional studies and their clinical significance is uncertain. This variant has not been reported in the literature in individuals with ATM-related conditions. This sequence change replaces arginine with serine at codon 2691 of the ATM protein (p.Arg2691Ser). The arginine residue is moderately conserved and there is a moderate physicochemical difference between arginine and serine.